The following is an entry in ClinVar:

NM_144997.7(FLCN):c.1599_1600del (p.Lys534fs)

Gene: FLCN (folliculin; minus strand). Cytogenetic location: 17p11.2.
Variant type: Deletion.
Coding change: c.1599_1600del on transcript NM_144997.7 (MANE Select); coding-DNA positions 1599 to 1600, 2 bases deleted (GA; older notation c.1599_1600delGA).
Protein change: p.Lys534fs; shifts the reading frame from lysine 534.
Molecular consequence: frameshift variant.
Genome position (GRCh38, 1-based): chr17:17,213,795-17,213,796, TC deleted on the plus strand (GA on the coding strand, the reverse complement: FLCN is on the minus strand); deleting any 2 consecutive bases within chr17:17,213,795-17,213,797 gives the same sequence; the c. name uses the placement nearest the transcript's 3' end. VCF-style (leftmost placement, unchanged base first): chr17-17213794-TTC-T. GRCh37 (hg19) VCF-style: chr17-17117108-TTC-T.
Other names: c.1653_1654del, p.Lys552fs (NM_001353229.2); c.1599_1600del, p.Lys534fs (NM_001353230.2, NM_001353231.2); short protein forms K534fs, K552fs.
Identifiers: ClinVar variation 2578479 (VCV002578479.5), dbSNP rs1439151268, ClinGen allele CA625014832.

ClinVar aggregate classification (germline): Pathogenic. Review status: criteria provided, multiple submitters, no conflicts (2 of 4 stars). 3 submissions from 3 submitters: Pathogenic (2). 1 of the submissions does not count toward it. Last evaluated 2026-10-22.

Conditions:
Birt-Hogg-Dube syndrome 1 (BHD1). Also called: FIBROFOLLICULOMAS WITH TRICHODISCOMAS AND ACROCHORDONS. Identifiers: Orphanet 122, MedGen CN375946, MONDO:0800445, OMIM 135150.
Birt-Hogg-Dube syndrome. Also called: Birt Hogg Dubé syndrome. Identifiers: Orphanet 122, MedGen C0346010, MONDO:0800444.

Submissions (3):

Department of Medical Genetics, Hatay Education and Research Hospital
Classification: Pathogenic for Birt-Hogg-Dube syndrome 1. Last evaluated: 2026-10-22. Review status: criteria provided, single submitter. Criteria: ACMG Guidelines, 2015. Collection method: clinical testing. Allele origin: germline. Affected: yes. Observed: 1 variant allele.
Comment: The c.1599_1600del (p.Lys534fs) variant in the FLCN gene (NM_144997.7) causes a frameshift resulting in a premature termination codon. Although located near the C-terminus, truncating mutations in this C-terminal domain are well-established to cause loss of function and yield the full phenotypic spectrum of Birt-Hogg-Dubé (BHD) syndrome due to the critical role of this region in protein stability and function (PVS1; PMID: 15852235). This variant is extremely rare or absent in control population databases (PM2_Supporting). Based on the ACMG/AMP guidelines and combined clinical and literature evidence, this variant is classified as pathogenic for Birt-Hogg-Dubé syndrome.

Labcorp Genetics (formerly Invitae), Labcorp
Classification: Pathogenic for Birt-Hogg-Dube syndrome. Last evaluated: 2023-02-16. Review status: criteria provided, single submitter. Criteria: Invitae Variant Classification Sherloc (09022015). Collection method: clinical testing. Allele origin: germline.
Comment: For these reasons, this variant has been classified as Pathogenic. This frameshift has been observed in individual(s) with clinical features of Birt-Hogg-Dubé syndrome (PMID: 27220747). This variant disrupts a region of the FLCN protein in which other variant(s) (p.Trp553*) have been determined to be pathogenic (PMID: 28558743). This suggests that this is a clinically significant region of the protein, and that variants that disrupt it are likely to be disease-causing. This variant is present in population databases (no rsID available, gnomAD no frequency). This sequence change results in a frameshift in the FLCN gene (p.Lys534Alafs*67). While this is not anticipated to result in nonsense mediated decay, it is expected to disrupt the last 46 amino acid(s) of the FLCN protein and extend the protein by 20 additional amino acid residues.

Division of Respiratory Medicine of Juntendo University, Juntendo University Faculty of Medicine and Graduate School of Medicine
Classification: Pathogenic for Birt-Hogg-Dube syndrome 1. Last evaluated: 2023-07-01. Review status: no assertion criteria provided. Collection method: clinical testing. Allele origin: germline. Affected: yes. Not counted in ClinVar's aggregate classification.

Literature cited by the submitters: PubMed 27220747 (cited by Department of Medical Genetics, Hatay Education and Research Hospital and Labcorp Genetics (formerly Invitae), Labcorp); PubMed 28558743 (cited by Department of Medical Genetics, Hatay Education and Research Hospital and Labcorp Genetics (formerly Invitae), Labcorp).